The following is an entry in ClinVar:

ClinVar aggregate classification (germline): Benign (1 of 4 stars; one submission).

Conditions:
Peroxisome biogenesis disorder 7A (Zellweger). Also called: Peroxisome biogenesis disorder 7A. Identifiers: Orphanet 912, MedGen C3888385, MONDO:0013938, OMIM 614872.

Allele frequency attached by ClinVar (database versions not stated): gnomAD 0.02272 and 0.02437; TOPMed 0.02483; 1000 Genomes Project 0.02576; 1000 Genomes Project 30x 0.02623.
gnomAD v4.1: 3,421 of 152,924 alleles (2.2%); highest among the groups gnomAD compares: African/African-American, 7.6%; 112 homozygotes.

Submission:

Illumina Laboratory Services, Illumina
Classification: Benign for Peroxisome biogenesis disorder 7A (Zellweger). Last evaluated: 2018-01-12. Review status: criteria provided, single submitter. Criteria: ICSL Variant Classification Criteria 13 December 2019. Collection method: clinical testing. Allele origin: germline.
Comment: This variant was observed in the ICSL laboratory as part of a predisposition screen in an ostensibly healthy population. It had not been previously curated by ICSL or reported in the Human Gene Mutation Database (HGMD: prior to June 1st, 2018), and was therefore a candidate for classification through an automated scoring system. Utilizing variant allele frequency, disease prevalence and penetrance estimates, and inheritance mode, an automated score was calculated to assess if this variant is too frequent to cause the disease. Based on the score and internal cut-off values, a variant classified as benign is not then subjected to further curation. The score for this variant resulted in a classification of benign for this disease.

NM_001127649.3(PEX26):c.*1003T>G

Gene: PEX26 (peroxisomal biogenesis factor 26; plus strand). Cytogenetic location: 22q11.21.
Variant type: single nucleotide variant.
Coding change: c.*1003T>G on transcript NM_001127649.3 (MANE Select); 1003 bases downstream of the stop codon, T replaced by G.
Molecular consequence: 3 prime UTR variant.
Genome position (GRCh38, 1-based): chr22:18,089,078, T>G. VCF-style: chr22-18089078-T-G. GRCh37 (hg19) VCF-style: chr22-18571844-T-G.
Other names: c.*1003T>G (NM_001199319.2, NM_017929.6).
Identifiers: ClinVar variation 340781 (VCV000340781.5), dbSNP rs79085553, ClinGen allele CA10653208.